The following is an entry in ClinVar:

NM_001256071.3(RNF213):c.2272T>C (p.Phe758Leu)

Gene: RNF213 (ring finger protein 213; plus strand). Cytogenetic location: 17q25.3.
Variant type: single nucleotide variant.
Coding change: c.2272T>C on transcript NM_001256071.3 (MANE Select); coding-DNA position 2272, T replaced by C.
Protein change: p.Phe758Leu; replaces phenylalanine 758 with leucine.
Molecular consequence: missense variant.
Genome position (GRCh38, 1-based): chr17:80,306,313, T>C. VCF-style: chr17-80306313-T-C. GRCh37 (hg19) VCF-style: chr17-78280113-T-C.
Other names: c.2419T>C, p.Phe807Leu (NM_001410195.1, NM_020914.5); c.2272T>C, p.Phe758Leu (NM_020954.4); short protein forms F758L, F807L.
Identifiers: ClinVar variation 2972799 (VCV002972799.3), dbSNP rs2511205541, ClinGen allele CA401375046.

ClinVar aggregate classification (germline): Uncertain significance (1 of 4 stars; one submission).

Submission:

Labcorp Genetics (formerly Invitae), Labcorp
Classification: Uncertain significance. Last evaluated: 2025-09-02. Review status: criteria provided, single submitter. Criteria: Invitae Variant Classification Sherloc (09022015). Collection method: clinical testing. Allele origin: germline.
Comment: This sequence change replaces phenylalanine, which is neutral and non-polar, with leucine, which is neutral and non-polar, at codon 758 of the RNF213 protein (p.Phe758Leu). This variant is not present in population databases (gnomAD no frequency). This variant has not been reported in the literature in individuals affected with RNF213-related conditions. ClinVar contains an entry for this variant (Variation ID: 2972799). Invitae Evidence Modeling of protein sequence and biophysical properties (such as structural, functional, and spatial information, amino acid conservation, physicochemical variation, residue mobility, and thermodynamic stability) indicates that this missense variant is not expected to disrupt RNF213 protein function with a negative predictive value of 95%. In summary, the available evidence is currently insufficient to determine the role of this variant in disease. Therefore, it has been classified as a Variant of Uncertain Significance.